The following is an entry in ClinVar:

ClinVar aggregate classification (germline): Uncertain significance. Review status: criteria provided, multiple submitters, no conflicts (2 of 4 stars). 2 submissions from 2 submitters: Uncertain significance (2). Last evaluated 2025-02-03.

Conditions:
Orofaciodigital syndrome type 6 (OFD6). Also called: VARADI SYNDROME; VARADI-PAPP SYNDROME; OROFACIODIGITAL SYNDROME VI; OFDS VI; POLYDACTYLY, CLEFT LIP/PALATE OR LINGUAL LUMP, AND PSYCHOMOTOR RETARDATION; Oral-facial-digital syndrome type 6. Identifiers: Orphanet 2754, MedGen C2745997, MONDO:0010176, OMIM 277170.
Joubert syndrome 17 (JBTS17). Identifiers: Orphanet 475, MedGen C3553264, MONDO:0013824, OMIM 614615.

Allele frequency attached by ClinVar (database versions not stated): TOPMed below 0.00001; gnomAD 0.00001; gnomAD exomes 0.00001.

Submissions (2):

Labcorp Genetics (formerly Invitae), Labcorp
Classification: Uncertain significance. Last evaluated: 2025-02-03. Review status: criteria provided, single submitter. Criteria: Invitae Variant Classification Sherloc (09022015). Collection method: clinical testing. Allele origin: germline.
Comment: This sequence change replaces glutamic acid, which is acidic and polar, with valine, which is neutral and non-polar, at codon 482 of the CPLANE1 protein (p.Glu482Val). This variant is present in population databases (no rsID available, gnomAD 0.004%). This variant has not been reported in the literature in individuals affected with CPLANE1-related conditions. ClinVar contains an entry for this variant (Variation ID: 1413929). Invitae Evidence Modeling of protein sequence and biophysical properties (such as structural, functional, and spatial information, amino acid conservation, physicochemical variation, residue mobility, and thermodynamic stability) indicates that this missense variant is not expected to disrupt CPLANE1 protein function with a negative predictive value of 95%. Algorithms developed to predict the effect of sequence changes on RNA splicing suggest that this variant may disrupt the consensus splice site. In summary, the available evidence is currently insufficient to determine the role of this variant in disease. Therefore, it has been classified as a Variant of Uncertain Significance.

Fulgent Genetics
Classification: Uncertain significance for Orofaciodigital syndrome type 6; Joubert syndrome 17. Last evaluated: 2024-01-20. Review status: criteria provided, single submitter. Criteria: ACMG Guidelines, 2015. Collection method: clinical testing. Allele origin: germline.

NM_001384732.1(CPLANE1):c.1445A>T (p.Glu482Val)

Gene: CPLANE1 (ciliogenesis and planar polarity effector complex subunit 1; minus strand). Cytogenetic location: 5p13.2.
Variant type: single nucleotide variant.
Coding change: c.1445A>T on transcript NM_001384732.1 (MANE Select); coding-DNA position 1445, A replaced by T.
Protein change: p.Glu482Val; replaces glutamic acid 482 with valine.
Molecular consequence: missense variant.
Genome position (GRCh38, 1-based): chr5:37,227,319, T>A on the plus strand (A>T on the coding strand, the complement: CPLANE1 is on the minus strand). VCF-style: chr5-37227319-T-A. GRCh37 (hg19) VCF-style: chr5-37227421-T-A.
Other names: c.1445A>T, p.Glu482Val (NM_023073.4); c.1445A>T (NM_023073.3); short protein forms E482V.
Identifiers: ClinVar variation 1413929 (VCV001413929.7), dbSNP rs1290792126, ClinGen allele CA359502912.